The following is an entry in ClinVar:

NM_001267727.2(ARSG):c.383C>T (p.Ala128Val)

Gene: ARSG (arylsulfatase G; plus strand). Cytogenetic location: 17q24.2.
Variant type: single nucleotide variant.
Coding change: c.383C>T on transcript NM_001267727.2 (MANE Select); coding-DNA position 383, C replaced by T.
Protein change: p.Ala128Val; replaces alanine 128 with valine.
Molecular consequence: missense variant.
Genome position (GRCh38, 1-based): chr17:68,343,768, C>T. VCF-style: chr17-68343768-C-T. GRCh37 (hg19) VCF-style: chr17-66339909-C-T.
Other names: c.383C>T, p.Ala128Val (NM_001352899.2, NM_001352900.2, NM_001352901.2 and 9 more transcripts); short protein forms A128V.
Identifiers: ClinVar variation 1947027 (VCV001947027.4), dbSNP rs201030584, ClinGen allele CA8728174.

ClinVar aggregate classification (germline): Uncertain significance (1 of 4 stars; one submission).

Allele frequency attached by ClinVar (database versions not stated): ExAC 0.00001; gnomAD 0.00001; TOPMed 0.00002.
gnomAD v4.1: 14 of 1,613,148 alleles (0.00087%); highest among the groups gnomAD compares: Non-Finnish European, 0.0012%; no homozygotes.

Submission:

Labcorp Genetics (formerly Invitae), Labcorp
Classification: Uncertain significance. Last evaluated: 2025-01-13. Review status: criteria provided, single submitter. Criteria: Invitae Variant Classification Sherloc (09022015). Collection method: clinical testing. Allele origin: germline.
Comment: This sequence change replaces alanine, which is neutral and non-polar, with valine, which is neutral and non-polar, at codon 128 of the ARSG protein (p.Ala128Val). This variant is present in population databases (rs201030584, gnomAD 0.002%). This variant has not been reported in the literature in individuals affected with ARSG-related conditions. ClinVar contains an entry for this variant (Variation ID: 1947027). Invitae Evidence Modeling of protein sequence and biophysical properties (such as structural, functional, and spatial information, amino acid conservation, physicochemical variation, residue mobility, and thermodynamic stability) indicates that this missense variant is not expected to disrupt ARSG protein function with a negative predictive value of 80%. Algorithms developed to predict the effect of sequence changes on RNA splicing suggest that this variant may disrupt the consensus splice site. In summary, the available evidence is currently insufficient to determine the role of this variant in disease. Therefore, it has been classified as a Variant of Uncertain Significance.